The following is an entry in ClinVar:

ClinVar aggregate classification (germline): Uncertain significance (1 of 4 stars; one submission).

Conditions:
Familial sleep-related hypermotor epilepsy. Also called: Autosomal Dominant Sleep-Related Hypermotor (Hyperkinetic) Epilepsy. Identifiers: Orphanet 98784, MedGen C3696898, MONDO:0000030.

Allele frequency attached by ClinVar (database versions not stated): TOPMed below 0.00001; gnomAD 0.00001; 1000 Genomes Project 30x 0.00016; 1000 Genomes Project 0.00020.
gnomAD v4.1: 7 of 1,569,368 alleles (0.00045%); highest among the groups gnomAD compares: East Asian, 0.0023%; no homozygotes.

Submission:

Labcorp Genetics (formerly Invitae), Labcorp
Classification: Uncertain significance. Last evaluated: 2020-10-26. Review status: criteria provided, single submitter. Criteria: Invitae Variant Classification Sherloc (09022015). Collection method: clinical testing. Allele origin: germline.
Comment: In summary, the available evidence is currently insufficient to determine the role of this variant in disease. Therefore, it has been classified as a Variant of Uncertain Significance. Algorithms developed to predict the effect of missense changes on protein structure and function are either unavailable or do not agree on the potential impact of this missense change (SIFT: "Tolerated"; PolyPhen-2: "Possibly Damaging"; Align-GVGD: "Class C0"). This variant has not been reported in the literature in individuals with CHRNA4-related conditions. This variant is present in population databases (rs561073516, ExAC 0.005%). This sequence change replaces proline with leucine at codon 425 of the CHRNA4 protein (p.Pro425Leu). The proline residue is moderately conserved and there is a moderate physicochemical difference between proline and leucine.

NM_000744.7(CHRNA4):c.1274C>T (p.Pro425Leu)

Gene: CHRNA4 (cholinergic receptor nicotinic alpha 4 subunit; minus strand). Cytogenetic location: 20q13.33.
Variant type: single nucleotide variant.
Coding change: c.1274C>T on transcript NM_000744.7 (MANE Select); coding-DNA position 1274, C replaced by T.
Protein change: p.Pro425Leu; replaces proline 425 with leucine.
Molecular consequence: missense variant. On other transcripts: non-coding transcript variant (1).
Genome position (GRCh38, 1-based): chr20:63,350,137, G>A on the plus strand (C>T on the coding strand, the complement: CHRNA4 is on the minus strand). VCF-style: chr20-63350137-G-A. GRCh37 (hg19) VCF-style: chr20-61981489-G-A.
Other names: c.746C>T, p.Pro249Leu (NM_001256573.2); short protein forms P249L, P425L.
Identifiers: ClinVar variation 998868 (VCV000998868.9), dbSNP rs561073516, ClinGen allele CA9957618.